The following is an entry in ClinVar:

ClinVar aggregate classification (germline): Uncertain significance (1 of 4 stars; one submission).

Submission:

Mayo Clinic Laboratories, Mayo Clinic
Classification: Uncertain significance. Last evaluated: 2022-09-29. Review status: criteria provided, single submitter. Criteria: ACMG Guidelines, 2015. Collection method: clinical testing. Allele origin: germline. Observed: 1 variant allele.
Comment: PM2_supporting

NM_001267550.2(TTN):c.82420T>C (p.Ser27474Pro)

Genes: TTN (titin; minus strand), TTN-AS1 (TTN antisense RNA 1; plus strand). Cytogenetic location: 2q31.2.
Variant type: single nucleotide variant.
Coding change: c.82420T>C on transcript NM_001267550.2 (MANE Select); coding-DNA position 82420, T replaced by C.
Protein change: p.Ser27474Pro; replaces serine 27474 with proline.
Molecular consequence: missense variant.
Genome position (GRCh38, 1-based): chr2:178,563,712, A>G on the plus strand (T>C on the coding strand, the complement: TTN is on the minus strand). VCF-style: chr2-178563712-A-G. GRCh37 (hg19) VCF-style: chr2-179428439-A-G.
Other names: p.Ser25833Pro; c.77497T>C, p.Ser25833Pro (NM_001256850.1); c.55225T>C, p.Ser18409Pro (NM_003319.4); c.74716T>C, p.Ser24906Pro (NM_133378.4); c.55600T>C, p.Ser18534Pro (NM_133432.3); c.55801T>C, p.Ser18601Pro (NM_133437.4); short protein forms S18409P, S18534P, S18601P, S24906P, S25833P, S27474P.
Identifiers: ClinVar variation 2682765 (VCV002682765.1), dbSNP rs2468177253, ClinGen allele CA349573617.
Genomic context (GRCh38, chr2:178,563,712, plus strand): 5'-CTGGGCGTGCCCATGTTACTACCATAGAATCTTTGGTGATTGCTGAGACTTCAGGTGTTG[A>G]GGGAGGACCTGGTGGCTTATAAGGATTACAGGCCGTAACAGGCCCAGATTCCAAGGGCTC-3'
Protein context (NP_001254479.2, residues 27464-27484): CNPYKPPGPP[Ser27474Pro]TPEVSAITKD